The following is an entry in ClinVar:

ClinVar aggregate classification (germline): Likely benign. Review status: criteria provided, multiple submitters, no conflicts (2 of 4 stars). 5 submissions from 5 submitters: Likely benign (4). 1 of the submissions does not count toward it. Last evaluated 2026-01-04.

Conditions:
Inborn genetic diseases. Identifiers: MedGen C0950123, MeSH D030342.
SMAD2-related disorder. Also called: SMAD2-related condition; SMAD2-related disorders.

Allele frequency attached by ClinVar (database versions not stated): TOPMed 0.00003; gnomAD 0.00005; gnomAD exomes 0.00007; ExAC 0.00009; 1000 Genomes Project 0.00020; 1000 Genomes Project 30x 0.00031.
gnomAD v4.1: 109 of 1,613,844 alleles (0.0068%); highest among the groups gnomAD compares: Middle Eastern, 0.066%; 2 homozygotes.

Submissions (5):

Labcorp Genetics (formerly Invitae), Labcorp
Classification: Likely benign. Last evaluated: 2026-01-04. Review status: criteria provided, single submitter. Criteria: Invitae Variant Classification Sherloc (09022015). Collection method: clinical testing. Allele origin: germline.

ARUP Laboratories, Molecular Genetics and Genomics, ARUP Laboratories
Classification: Likely benign. Last evaluated: 2025-05-20. Review status: criteria provided, single submitter. Criteria: ARUP Molecular Germline Variant Investigation Process 2024. Collection method: clinical testing. Allele origin: germline.

Blueprint Genetics
Classification: Likely benign. Last evaluated: 2023-07-25. Review status: criteria provided, single submitter. Criteria: ACMG Guidelines, 2015. Collection method: clinical testing. Allele origin: germline.

Ambry Genetics
Classification: Likely benign for Inborn genetic diseases. Last evaluated: 2022-07-29. Review status: criteria provided, single submitter. Criteria: Ambry Variant Classification Scheme 2023. Collection method: clinical testing. Allele origin: germline.

PreventionGenetics, part of Exact Sciences
Classification: Likely benign for SMAD2-related condition. Last evaluated: 2019-08-14. Review status: no assertion criteria provided. Collection method: clinical testing. Allele origin: germline. Not counted in ClinVar's aggregate classification.
Comment: This variant is classified as likely benign based on ACMG/AMP sequence variant interpretation guidelines (Richards et al. 2015 PMID: 25741868, with internal and published modifications).

NM_005901.6(SMAD2):c.87C>T (p.Gly29=)

Gene: SMAD2 (SMAD family member 2; minus strand). Cytogenetic location: 18q21.1.
Variant type: single nucleotide variant.
Coding change: c.87C>T on transcript NM_005901.6 (MANE Select); coding-DNA position 87, C replaced by T.
Protein change: p.Gly29=; no amino-acid change (glycine 29 retained).
Molecular consequence: synonymous variant.
Genome position (GRCh38, 1-based): chr18:47,896,670, G>A on the plus strand (C>T on the coding strand, the complement: SMAD2 is on the minus strand). VCF-style: chr18-47896670-G-A. GRCh37 (hg19) VCF-style: chr18-45423041-G-A.
Other names: c.87C>T (NM_005901.5); c.87C>T, p.Gly29= (NM_001003652.4, NM_001135937.3).
Identifiers: ClinVar variation 1764720 (VCV001764720.13), dbSNP rs200108383, ClinGen allele CA8956340.